The following is an entry in ClinVar:

NM_004329.3(BMPR1A):c.7C>G (p.Gln3Glu)

Gene: BMPR1A (bone morphogenetic protein receptor type 1A; plus strand). Cytogenetic location: 10q23.2.
Variant type: single nucleotide variant.
Coding change: c.7C>G on transcript NM_004329.3 (MANE Select); coding-DNA position 7, C replaced by G.
Protein change: p.Gln3Glu; replaces glutamine 3 with glutamic acid.
Molecular consequence: missense variant.
Genome position (GRCh38, 1-based): chr10:86,876,025, C>G. VCF-style: chr10-86876025-C-G. GRCh37 (hg19) VCF-style: chr10-88635782-C-G.
Other names: short protein forms Q3E.
Identifiers: ClinVar variation 660414 (VCV000660414.13), dbSNP rs1589757055, ClinGen allele CA377774750.
Genomic context (GRCh38, chr10:86,876,025, plus strand): 5'-TAGCAAGACCAATTATTAAAGGTGACAGTACACAGGAAACATTACAATTGAACAATGCCT[C>G]AGCTATACATTTACATCAGATTATTGGGAGCCTATTTGTTCATCATTTCTCGTGTTCAAG-3'
Protein context (NP_004320.2, residues 1-13): MP[Gln3Glu]LYIYIRLLGA

ClinVar aggregate classification (germline): Uncertain significance. Review status: criteria provided, multiple submitters, no conflicts (2 of 4 stars). 3 submissions from 3 submitters: Uncertain significance (3). Last evaluated 2024-10-15.

Conditions:
Hereditary cancer-predisposing syndrome. Also called: Neoplastic Syndromes, Hereditary; Hereditary neoplastic syndrome; Tumor predisposition; Hereditary Cancer Syndrome. Identifiers: Orphanet 140162, MedGen C0027672, MeSH D009386, MONDO:0015356.
Juvenile polyposis syndrome (JPS). Identifiers: Orphanet 2929, MedGen C0345893, MONDO:0017380, OMIM 174900.

Submissions (3):

Color Diagnostics, LLC DBA Color Health
Classification: Uncertain significance for Hereditary cancer-predisposing syndrome. Last evaluated: 2024-10-15. Review status: criteria provided, single submitter. Criteria: ACMG Guidelines, 2015. Collection method: clinical testing. Allele origin: germline.
Comment: This missense variant replaces glutamine with glutamic acid at codon 3 of the BMPR1A protein. Computational prediction suggests that this variant may not impact protein structure and function (internally defined REVEL score threshold <= 0.5, PMID: 27666373). To our knowledge, functional studies have not been reported for this variant. This variant has not been reported in individuals affected with BMPR1A-related disorders in the literature. This variant has not been identified in the general population by the Genome Aggregation Database (gnomAD). The available evidence is insufficient to determine the role of this variant in disease conclusively. Therefore, this variant is classified as a Variant of Uncertain Significance.

Ambry Genetics
Classification: Uncertain significance for Hereditary cancer-predisposing syndrome. Last evaluated: 2024-09-02. Review status: criteria provided, single submitter. Criteria: Ambry Variant Classification Scheme 2023. Collection method: clinical testing. Allele origin: germline.
Comment: The p.Q3E variant (also known as c.7C>G), located in coding exon 1 of the BMPR1A gene, results from a C to G substitution at nucleotide position 7. The glutamine at codon 3 is replaced by glutamic acid, an amino acid with highly similar properties. This amino acid position is conserved. In addition, this alteration is predicted to be tolerated by in silico analysis. Based on the available evidence, the clinical significance of this variant remains unclear.

Labcorp Genetics (formerly Invitae), Labcorp
Classification: Uncertain significance for Juvenile polyposis syndrome. Last evaluated: 2020-06-03. Review status: criteria provided, single submitter. Criteria: Invitae Variant Classification Sherloc (09022015). Collection method: clinical testing. Allele origin: germline.
Comment: Algorithms developed to predict the effect of missense changes on protein structure and function (SIFT, PolyPhen-2, Align-GVGD) all suggest that this variant is likely to be tolerated, but these predictions have not been confirmed by published functional studies and their clinical significance is uncertain. In summary, the available evidence is currently insufficient to determine the role of this variant in disease. Therefore, it has been classified as a Variant of Uncertain Significance. This variant has not been reported in the literature in individuals with BMPR1A-related disease. This sequence change replaces glutamine with glutamic acid at codon 3 of the BMPR1A protein (p.Gln3Glu). The glutamine residue is weakly conserved and there is a small physicochemical difference between glutamine and glutamic acid. This variant is not present in population databases (ExAC no frequency).